The following is an entry in ClinVar:

ClinVar aggregate classification (germline): Uncertain significance. Review status: criteria provided, multiple submitters, no conflicts (2 of 4 stars). 2 submissions from 2 submitters: Uncertain significance (2). Last evaluated 2024-11-30.

Conditions:
Inborn genetic diseases. Identifiers: MedGen C0950123, MeSH D030342.

Submissions (2):

Ambry Genetics
Classification: Uncertain significance for Inborn genetic diseases. Last evaluated: 2024-11-30. Review status: criteria provided, single submitter. Criteria: Ambry Variant Classification Scheme 2023. Collection method: clinical testing. Allele origin: germline.
Comment: The p.H152N variant (also known as c.454C>A), located in coding exon 4 of the ETV6 gene, results from a C to A substitution at nucleotide position 454. The histidine at codon 152 is replaced by asparagine, an amino acid with similar properties. This amino acid position is conserved. In addition, this alteration is predicted to be tolerated by in silico analysis. Based on the available evidence, the clinical significance of this variant remains unclear.

GeneDx
Classification: Uncertain significance. Last evaluated: 2024-01-09. Review status: criteria provided, single submitter. Criteria: GeneDx Variant Classification Process June 2021. Collection method: clinical testing. Allele origin: germline. Affected: yes.
Comment: Not observed at significant frequency in large population cohorts (gnomAD); In silico analysis supports that this missense variant does not alter protein structure/function; Has not been previously published as pathogenic or benign to our knowledge; This variant is associated with the following publications: (PMID: 28555414, 28637624)

NM_001987.5(ETV6):c.454C>A (p.His152Asn)

Gene: ETV6 (ETS variant transcription factor 6; plus strand). Cytogenetic location: 12p13.2.
Variant type: single nucleotide variant.
Coding change: c.454C>A on transcript NM_001987.5 (MANE Select); coding-DNA position 454, C replaced by A.
Protein change: p.His152Asn; replaces histidine 152 with asparagine.
Molecular consequence: missense variant.
Genome position (GRCh38, 1-based): chr12:11,853,552, C>A. VCF-style: chr12-11853552-C-A. GRCh37 (hg19) VCF-style: chr12-12006486-C-A.
Other names: c.451C>A, p.His151Asn (NM_001413913.1); c.427C>A, p.His143Asn (NM_001413914.1); c.190C>A, p.His64Asn (NM_001413915.1); c.454C>A, p.His152Asn (NM_001413916.1, NM_001413917.1); short protein forms H143N, H151N, H152N, H64N.
Identifiers: ClinVar variation 3367674 (VCV003367674.2).
Genomic context (GRCh38, chr12:11,853,552, plus strand): 5'-CCATTCTTCCACCCTGGAAACTCTATACACACACAGCCGGAGGTCATACTGCATCAGAAC[C>A]ATGAAGAAGGTACTGGAAGAGGTTTCTCTTTTCTTGCCTGAGGTTTAGACAAATCCAGGA-3'
Protein context (NP_001978.1, residues 142-162): TQPEVILHQN[His152Asn]EEDNCVQRTP